The following is an entry in ClinVar:

NM_007294.4(BRCA1):c.594-15G>C

Gene: BRCA1 (BRCA1 DNA repair associated; minus strand). Cytogenetic location: 17q21.31.
Variant type: single nucleotide variant.
Coding change: c.594-15G>C on transcript NM_007294.4 (MANE Select); 15 bases into the intron before coding-DNA position 594, G replaced by C.
Molecular consequence: intron variant.
Genome position (GRCh38, 1-based): chr17:43,095,937, C>G on the plus strand (G>C on the coding strand, the complement: BRCA1 is on the minus strand). VCF-style: chr17-43095937-C-G. GRCh37 (hg19) VCF-style: chr17-41247954-C-G.
Other names: IVS9-15G>C; c.453-15G>C (NM_001408458.1, NM_001408469.1, NM_001408453.1 and 43 more transcripts); c.-218-1077G>C (NM_001407967.1, NM_001407966.1); c.213-15G>C (NM_001407959.1, NM_001408510.1, NM_001407963.1 and 1 more transcripts); c.404-1077G>C (NM_001407931.1, NM_001407932.1, NM_001408503.1 and 5 more transcripts); c.450-15G>C (NM_001407747.1, NM_001408470.1, NM_001407848.1 and 26 more transcripts); c.210-15G>C (NM_001407962.1); c.167-1077G>C (NM_001408512.1, NM_001407965.1); and 18 more.
Identifiers: ClinVar variation 125896 (VCV000125896.27), dbSNP rs80358102, ClinGen allele CA003752.

ClinVar aggregate classification (germline): Likely benign. Review status: criteria provided, multiple submitters, no conflicts (2 of 4 stars). 7 submissions from 7 submitters: Likely benign (6). 1 of the submissions does not count toward it. Last evaluated 2026-02-26.

Conditions:
Inherited ovarian cancer (without breast cancer).
Hereditary cancer-predisposing syndrome. Also called: Tumor predisposition; Hereditary neoplastic syndrome; Hereditary Cancer Syndrome; Neoplastic Syndromes, Hereditary. Identifiers: Orphanet 140162, MedGen C0027672, MeSH D009386, MONDO:0015356.
Hereditary breast ovarian cancer syndrome. Also called: Hereditary breast and/or ovarian cancer syndrome; Breast and ovarian cancer; Hereditary breast and ovarian cancer syndrome; Hereditary breast and ovarian cancer; Hereditary breast and ovarian cancer syndrome (HBOC); BRCA1- and BRCA2-Associated Hereditary Breast and Ovarian Cancer. Identifiers: Orphanet 145, MedGen C0677776, MeSH D061325, MONDO:0003582. Disease mechanism: loss of function.
Breast-ovarian cancer, familial, susceptibility to, 1 (BROVCA1). Also called: BRCA1 Hereditary Breast and Ovarian Cancer; OVARIAN CANCER, SUSCEPTIBILITY TO. Identifiers: Orphanet 145, MedGen C2676676, MONDO:0011450, OMIM 604370. Disease mechanism: loss of function.

Allele frequency attached by ClinVar (database versions not stated): ExAC 0.00002; gnomAD exomes 0.00002.
gnomAD v4.1: 49 of 1,597,082 alleles (0.0031%); highest among the groups gnomAD compares: Non-Finnish European, 0.0042%; no homozygotes.

Submissions (7):

Genomics and Molecular Medicine Service, East Genomic Laboratory Hub, NHS Genomic Medicine Service
Classification: Likely benign for Inherited ovarian cancer (without breast cancer). Last evaluated: 2026-02-26. Review status: criteria provided, single submitter. Criteria: ACGS Best Practice Guidelines for Variant Classification in Rare Disease 2020. Collection method: clinical testing. Allele origin: germline. Affected: yes.
Comment: BP4,BP7

Labcorp Genetics (formerly Invitae), Labcorp
Classification: Likely benign for Hereditary breast ovarian cancer syndrome. Last evaluated: 2026-02-03. Review status: criteria provided, single submitter. Criteria: Invitae Variant Classification Sherloc (09022015). Collection method: clinical testing. Allele origin: germline.

Center for Genomic Medicine, Rigshospitalet, Copenhagen University Hospital
Classification: Likely benign. Last evaluated: 2025-03-04. Review status: criteria provided, single submitter. Criteria: ACMG Guidelines, 2015. Collection method: clinical testing. Allele origin: germline.

Women's Health and Genetics/Laboratory Corporation of America, LabCorp
Classification: Likely benign. Last evaluated: 2023-08-07. Review status: criteria provided, single submitter. Criteria: LabCorp Variant Classification Summary - May 2015. Collection method: clinical testing. Allele origin: germline.
Comment: Variant summary: BRCA1 c.594-15G>C alters a non-conserved nucleotide located close to a canonical splice site and therefore could affect mRNA splicing, leading to a significantly altered protein sequence. Computational tools predict no significant impact on normal splicing, and these predictions were confirmed by one splicing study (Houdayer_2012). The variant allele was found at a frequency of 2e-05 in 248052 control chromosomes (gnomAD). The available data on variant occurrences in the general population are insufficient to allow any conclusion about variant significance. c.594-15G>C has been reported in the literature in individuals affected with Breast Cancer (Wong-Brown_2015). This report does not provide unequivocal conclusions about association of the variant with Hereditary Breast and Ovarian Cancer. Co-occurrences with at least one other pathogenic variant has been reported in the NHGRI database (BRCA2 c.5576_5579delTTAA, p.Ile1859fsX3), providing supporting evidence for a benign role. The following publications have been ascertained in the context of this evaluation (PMID: 22505045, 25682074). Four ClinVar submitters have assessed the variant since 2014, and all four classified the variant as likely benign. Based on the evidence outlined above, the variant was classified as likely benign.

GeneDx
Classification: Likely benign. Last evaluated: 2020-02-25. Review status: criteria provided, single submitter. Criteria: GeneDx Variant Classification Process June 2021. Collection method: clinical testing. Allele origin: germline. Affected: yes.
Comment: This variant is associated with the following publications: (PMID: 25682074, 23893897, 21673748, 22505045)

Color Diagnostics, LLC DBA Color Health
Classification: Likely benign for Hereditary cancer-predisposing syndrome. Last evaluated: 2017-09-24. Review status: criteria provided, single submitter. Criteria: ACMG Guidelines, 2015. Collection method: clinical testing. Allele origin: germline.

Breast Cancer Information Core (BIC) (BRCA1)
Classification: Uncertain significance for Breast-ovarian cancer, familial 1. Last evaluated: 2002-05-29. Review status: no assertion criteria provided. Collection method: clinical testing. Allele origin: germline. Affected: yes. Observed: 1 variant allele. Not counted in ClinVar's aggregate classification.

Literature cited by the submitters: PubMed 22505045 (cited by Women's Health and Genetics/Laboratory Corporation of America, LabCorp); PubMed 25682074 (cited by Women's Health and Genetics/Laboratory Corporation of America, LabCorp).